The following is an entry in ClinVar:

ClinVar aggregate classification (germline): Uncertain significance (1 of 4 stars; one submission).

Allele frequency attached by ClinVar (database versions not stated): gnomAD 0.00001.

Submission:

Ambry Genetics
Classification: Uncertain significance. Last evaluated: 2022-05-27. Review status: criteria provided, single submitter. Criteria: Ambry Variant Classification Scheme 2023. Collection method: clinical testing. Allele origin: germline.
Comment: The p.V267M variant (also known as c.799G>A), located in coding exon 9 of the PRKDC gene, results from a G to A substitution at nucleotide position 799. The valine at codon 267 is replaced by methionine, an amino acid with highly similar properties. This amino acid position is conserved. In addition, the in silico prediction for this alteration is inconclusive. Since supporting evidence is limited at this time, the clinical significance of this alteration remains unclear.

NM_006904.7(PRKDC):c.799G>A (p.Val267Met)

Gene: PRKDC (protein kinase, DNA-activated, catalytic subunit; minus strand). Cytogenetic location: 8q11.21.
Variant type: single nucleotide variant.
Coding change: c.799G>A on transcript NM_006904.7 (MANE Select); coding-DNA position 799, G replaced by A.
Protein change: p.Val267Met; replaces valine 267 with methionine.
Molecular consequence: missense variant.
Genome position (GRCh38, 1-based): chr8:47,943,862, C>T on the plus strand (G>A on the coding strand, the complement: PRKDC is on the minus strand). VCF-style: chr8-47943862-C-T. GRCh37 (hg19) VCF-style: chr8-48856422-C-T.
Other names: c.799G>A, p.Val267Met (NM_001081640.2); short protein forms V267M.
Identifiers: ClinVar variation 1761548 (VCV001761548.2), dbSNP rs2090486045, ClinGen allele CA371136355.